The following is an entry in ClinVar:

NM_015978.3(TNNI3K):c.175A>G (p.Asn59Asp)

Genes: FPGT-TNNI3K (FPGT-TNNI3K readthrough; plus strand), TNNI3K (TNNI3 interacting kinase; plus strand). Cytogenetic location: 1p31.1.
Variant type: single nucleotide variant.
Coding change: c.175A>G on transcript NM_015978.3 (MANE Select); coding-DNA position 175, A replaced by G.
Protein change: p.Asn59Asp; replaces asparagine 59 with aspartic acid.
Molecular consequence: missense variant.
Genome position (GRCh38, 1-based): chr1:74,249,484, A>G. VCF-style: chr1-74249484-A-G. GRCh37 (hg19) VCF-style: chr1-74715168-A-G.
Other names: c.478A>G, p.Asn160Asp (NM_001112808.3, NM_001199327.2); short protein forms N160D, N59D.
Identifiers: ClinVar variation 1514392 (VCV001514392.10), dbSNP rs780477698, ClinGen allele CA908797.

ClinVar aggregate classification (germline): Uncertain significance. Review status: criteria provided, multiple submitters, no conflicts (2 of 4 stars). 3 submissions from 3 submitters: Uncertain significance (3). Last evaluated 2024-11-08.

Conditions:
Atrial conduction disease. Identifiers: Orphanet 436242, MedGen CN221670, MONDO:0014500.
Inborn genetic diseases. Identifiers: MedGen C0950123, MeSH D030342.

Allele frequency attached by ClinVar (database versions not stated): gnomAD 0.00001; gnomAD exomes 0.00001; TOPMed 0.00003; ExAC 0.00001.
gnomAD v4.1: 18 of 1,613,534 alleles (0.0011%); highest among the groups gnomAD compares: Middle Eastern, 0.033%; no homozygotes.

Submissions (3):

Ambry Genetics
Classification: Uncertain significance for Inborn genetic diseases. Last evaluated: 2024-11-08. Review status: criteria provided, single submitter. Criteria: Ambry Variant Classification Scheme 2023. Collection method: clinical testing. Allele origin: germline.

Labcorp Genetics (formerly Invitae), Labcorp
Classification: Uncertain significance. Last evaluated: 2024-04-04. Review status: criteria provided, single submitter. Criteria: Invitae Variant Classification Sherloc (09022015). Collection method: clinical testing. Allele origin: germline.
Comment: This sequence change replaces asparagine, which is neutral and polar, with aspartic acid, which is acidic and polar, at codon 59 of the TNNI3K protein (p.Asn59Asp). This variant is present in population databases (rs780477698, gnomAD 0.0009%). This variant has not been reported in the literature in individuals affected with TNNI3K-related conditions. ClinVar contains an entry for this variant (Variation ID: 1514392). Advanced modeling of protein sequence and biophysical properties (such as structural, functional, and spatial information, amino acid conservation, physicochemical variation, residue mobility, and thermodynamic stability) performed at Invitae indicates that this missense variant is not expected to disrupt TNNI3K protein function with a negative predictive value of 80%. In summary, the available evidence is currently insufficient to determine the role of this variant in disease. Therefore, it has been classified as a Variant of Uncertain Significance.

Genome-Nilou Lab
Classification: Uncertain significance for Cardiac conduction disease with or without dilated cardiomyopathy 1. Last evaluated: 2023-04-11. Review status: criteria provided, single submitter. Criteria: ACMG Guidelines, 2015. Collection method: clinical testing. Allele origin: germline. Affected: no.